The following is an entry in ClinVar:

NM_006415.4(SPTLC1):c.731T>C (p.Val244Ala)

Gene: SPTLC1 (serine palmitoyltransferase long chain base subunit 1; minus strand). Cytogenetic location: 9q22.31.
Variant type: single nucleotide variant.
Coding change: c.731T>C on transcript NM_006415.4 (MANE Select); coding-DNA position 731, T replaced by C.
Protein change: p.Val244Ala; replaces valine 244 with alanine.
Molecular consequence: missense variant.
Genome position (GRCh38, 1-based): chr9:92,055,454, A>G on the plus strand (T>C on the coding strand, the complement: SPTLC1 is on the minus strand). VCF-style: chr9-92055454-A-G. GRCh37 (hg19) VCF-style: chr9-94817736-A-G.
Other names: c.731T>C, p.Val244Ala (NM_001281303.2); c.365T>C, p.Val122Ala (NM_001368272.1); c.266T>C, p.Val89Ala (NM_001368273.1); short protein forms V122A, V244A, V89A.
Identifiers: ClinVar variation 2896600 (VCV002896600.3), dbSNP rs149938935, ClinGen allele CA5121448.

ClinVar aggregate classification (germline): Uncertain significance (1 of 4 stars; one submission).

Conditions:
Hereditary sensory and autonomic neuropathy type 1 (HSAN1). Also called: HSAN 1; HSN Type I; Hereditary Sensory Neuropathy Type I. Identifiers: Orphanet 36386, MedGen C0020071, MONDO:0018213.

Allele frequency attached by ClinVar (database versions not stated): gnomAD 0.00003; gnomAD exomes below 0.00001; ExAC 0.00001; TOPMed 0.00003; ESP Exome Variant Server 0.00008.
gnomAD v4.1: 5 of 1,613,684 alleles (0.00031%); highest among the groups gnomAD compares: African/African-American, 0.0067%; no homozygotes.

Submission:

Labcorp Genetics (formerly Invitae), Labcorp
Classification: Uncertain significance for Hereditary sensory and autonomic neuropathy type 1. Last evaluated: 2023-07-07. Review status: criteria provided, single submitter. Criteria: Invitae Variant Classification Sherloc (09022015). Collection method: clinical testing. Allele origin: germline.
Comment: This sequence change replaces valine, which is neutral and non-polar, with alanine, which is neutral and non-polar, at codon 244 of the SPTLC1 protein (p.Val244Ala). This variant is present in population databases (rs149938935, gnomAD 0.007%). This variant has not been reported in the literature in individuals affected with SPTLC1-related conditions. Advanced modeling of protein sequence and biophysical properties (such as structural, functional, and spatial information, amino acid conservation, physicochemical variation, residue mobility, and thermodynamic stability) performed at Invitae indicates that this missense variant is not expected to disrupt SPTLC1 protein function. In summary, the available evidence is currently insufficient to determine the role of this variant in disease. Therefore, it has been classified as a Variant of Uncertain Significance.